The following is an entry in ClinVar:

NM_000265.7(NCF1):c.361C>T (p.Arg121Cys)

Genes: NCF1 (neutrophil cytosolic factor 1; plus strand), LOC106029312 (Williams-Beuren syndrome medial block B recombination region; plus strand). Cytogenetic location: 7q11.23.
Variant type: single nucleotide variant.
Coding change: c.361C>T on transcript NM_000265.7 (MANE Select); coding-DNA position 361, C replaced by T.
Protein change: p.Arg121Cys; replaces arginine 121 with cysteine.
Molecular consequence: missense variant.
Genome position (GRCh38, 1-based): chr7:74,779,388, C>T. VCF-style: chr7-74779388-C-T. GRCh37 (hg19) VCF-style: chr7-74193734-C-T.
Other names: short protein forms R121C.
Identifiers: ClinVar variation 3771568 (VCV003771568.13).
Genomic context (GRCh38, chr7:74,779,388, plus strand): 5'-CTCATGAGCCTGCCCACCAAGATCTCCCGCTGTCCCCACCTCCTCGACTTCTTCAAGGTG[C>T]GCCCTGATGACCTCAAGCTCCCCACGGACAACCAGTGAGTGAACTTTTCACCCTGCCAGG-3'
Protein context (NP_000256.4, residues 111-131): CPHLLDFFKV[Arg121Cys]PDDLKLPTDN

ClinVar aggregate classification (germline): Uncertain significance (1 of 4 stars; one submission).

Submission:

CeGaT Center for Human Genetics Tuebingen
Classification: Uncertain significance. Last evaluated: 2025-02-01. Review status: criteria provided, single submitter. Criteria: CeGaT Center For Human Genetics Tuebingen Variant Classification Criteria Version 2. Collection method: clinical testing. Allele origin: germline. Affected: yes. Observed: 1 variant allele.
Comment: NCF1: PM2